The following is an entry in ClinVar:

ClinVar aggregate classification (germline): Uncertain significance. Review status: criteria provided, multiple submitters, no conflicts (2 of 4 stars). 2 submissions from 2 submitters: Uncertain significance (2). Last evaluated 2025-08-21.

Allele frequency attached by ClinVar (database versions not stated): TOPMed below 0.00001; gnomAD 0.00001; gnomAD exomes 0.00001; ExAC 0.00003.
gnomAD v4.1: 16 of 1,613,028 alleles (0.00099%); highest among the groups gnomAD compares: South Asian, 0.016%; no homozygotes.

Submissions (2):

Ambry Genetics
Classification: Uncertain significance. Last evaluated: 2025-08-21. Review status: criteria provided, single submitter. Criteria: Ambry Variant Classification Scheme 2023. Collection method: clinical testing. Allele origin: germline.

Labcorp Genetics (formerly Invitae), Labcorp
Classification: Uncertain significance. Last evaluated: 2024-09-18. Review status: criteria provided, single submitter. Criteria: Invitae Variant Classification Sherloc (09022015). Collection method: clinical testing. Allele origin: germline.
Comment: This sequence change replaces leucine, which is neutral and non-polar, with valine, which is neutral and non-polar, at codon 1504 of the HMCN1 protein (p.Leu1504Val). This variant is present in population databases (rs773233282, gnomAD 0.03%). This variant has not been reported in the literature in individuals affected with HMCN1-related conditions. ClinVar contains an entry for this variant (Variation ID: 2163292). An algorithm developed to predict the effect of missense changes on protein structure and function (PolyPhen-2) suggests that this variant is likely to be disruptive. In summary, the available evidence is currently insufficient to determine the role of this variant in disease. Therefore, it has been classified as a Variant of Uncertain Significance.

NM_031935.3(HMCN1):c.4510C>G (p.Leu1504Val)

Gene: HMCN1 (hemicentin 1; plus strand). Cytogenetic location: 1q31.1.
Variant type: single nucleotide variant.
Coding change: c.4510C>G on transcript NM_031935.3 (MANE Select); coding-DNA position 4510, C replaced by G.
Protein change: p.Leu1504Val; replaces leucine 1504 with valine.
Molecular consequence: missense variant.
Genome position (GRCh38, 1-based): chr1:186,007,162, C>G. VCF-style: chr1-186007162-C-G. GRCh37 (hg19) VCF-style: chr1-185976294-C-G.
Other names: c.4510C>G (NM_031935.2); short protein forms L1504V.
Identifiers: ClinVar variation 2163292 (VCV002163292.5), dbSNP rs773233282, ClinGen allele CA1292040.
Genomic context (GRCh38, chr1:186,007,162, plus strand): 5'-ATGGAATAAAGTTTTATTTTTTCTAGGCCTTTATTTTTGGGCGATCCTAATGTTGAACTT[C>G]TAGACAGAGGACAAGTCTTACATTTAAAGAATGCACGGAGAAATGACAAGGGGCGCTACC-3'
Protein context (NP_114141.2, residues 1494-1514): LFLGDPNVEL[Leu1504Val]DRGQVLHLKN